The following is an entry in ClinVar:

NM_152383.5(DIS3L2):c.1529C>G (p.Ala510Gly)

Gene: DIS3L2 (DIS3 like 3'-5' exoribonuclease 2; plus strand). Cytogenetic location: 2q37.1.
Variant type: single nucleotide variant.
Coding change: c.1529C>G on transcript NM_152383.5 (MANE Select); coding-DNA position 1529, C replaced by G.
Protein change: p.Ala510Gly; replaces alanine 510 with glycine.
Molecular consequence: missense variant. On other transcripts: non-coding transcript variant (2).
Genome position (GRCh38, 1-based): chr2:232,263,310, C>G. VCF-style: chr2-232263310-C-G. GRCh37 (hg19) VCF-style: chr2-233128020-C-G.
Other names: c.1529C>G, p.Ala510Gly (NM_001257281.2); short protein forms A510G.
Identifiers: ClinVar variation 574482 (VCV000574482.9), dbSNP rs377321022, ClinGen allele CA2164178.

ClinVar aggregate classification (germline): Uncertain significance. Review status: criteria provided, multiple submitters, no conflicts (2 of 4 stars). 2 submissions from 2 submitters: Uncertain significance (2). Last evaluated 2024-09-25.

Conditions:
Perlman syndrome (PRLMNS). Identifiers: Orphanet 2849, MedGen C0796113, MONDO:0009965, OMIM 267000.

gnomAD v4.1: 43 of 1,614,068 alleles (0.0027%); highest among the groups gnomAD compares: South Asian, 0.043%; 1 homozygote.

Submissions (2):

Labcorp Genetics (formerly Invitae), Labcorp
Classification: Uncertain significance for Perlman syndrome. Last evaluated: 2024-09-25. Review status: criteria provided, single submitter. Criteria: Invitae Variant Classification Sherloc (09022015). Collection method: clinical testing. Allele origin: germline.
Comment: This sequence change replaces alanine, which is neutral and non-polar, with glycine, which is neutral and non-polar, at codon 510 of the DIS3L2 protein (p.Ala510Gly). This variant is present in population databases (rs377321022, gnomAD 0.03%). This variant has not been reported in the literature in individuals affected with DIS3L2-related conditions. ClinVar contains an entry for this variant (Variation ID: 574482). An algorithm developed to predict the effect of missense changes on protein structure and function (PolyPhen-2) suggests that this variant is likely to be tolerated. In summary, the available evidence is currently insufficient to determine the role of this variant in disease. Therefore, it has been classified as a Variant of Uncertain Significance.

Fulgent Genetics
Classification: Uncertain significance for Perlman syndrome. Last evaluated: 2023-12-28. Review status: criteria provided, single submitter. Criteria: ACMG Guidelines, 2015. Collection method: clinical testing. Allele origin: germline.